The following is an entry in ClinVar:

ClinVar aggregate classification (germline): Uncertain significance (1 of 4 stars; one submission).

Conditions:
Hereditary cancer-predisposing syndrome. Also called: Neoplastic Syndromes, Hereditary; Tumor predisposition; Hereditary Cancer Syndrome; Hereditary neoplastic syndrome. Identifiers: Orphanet 140162, MedGen C0027672, MeSH D009386, MONDO:0015356.

Submission:

Ambry Genetics
Classification: Uncertain significance for Hereditary cancer-predisposing syndrome. Last evaluated: 2025-10-02. Review status: criteria provided, single submitter. Criteria: Ambry Variant Classification Scheme 2023. Collection method: clinical testing. Allele origin: germline.
Comment: The c.1597_1598delGCinsTT variant (also known as p.A533L), located in coding exon 5 of the AXIN2 gene, results from an in-frame deletion of GC and insertion of TT at nucleotide positions 1597 to 1598. This results in the substitution of the alanine residue for a leucine residue at codon 533, an amino acid with similar properties. This amino acid position is well conserved in available vertebrate species. In addition, the in silico prediction for this variant is inconclusive (Choi Y et al. PLoS ONE. 2012; 7(10):e46688). Based on the available evidence, the clinical significance of this variant remains unclear.

NM_004655.4(AXIN2):c.1597_1598delinsTT (p.Ala533Leu)

Gene: AXIN2 (axin 2; minus strand). Cytogenetic location: 17q24.1.
Variant type: Indel.
Coding change: c.1597_1598delinsTT on transcript NM_004655.4 (MANE Select); coding-DNA positions 1597 to 1598, GC replaced by TT.
Protein change: p.Ala533Leu; replaces alanine 533 with leucine.
Molecular consequence: missense variant.
Genome position (GRCh38, 1-based): chr17:65,537,438-65,537,439, GC replaced by AA on the plus strand (GC replaced by TT on the coding strand, the reverse complement: AXIN2 is on the minus strand). VCF-style: chr17-65537438-GC-AA. GRCh37 (hg19) VCF-style: chr17-63533556-GC-AA.
Other names: c.1597_1598delinsTT, p.Ala533Leu (NM_001363813.1); short protein forms A533L.
Identifiers: ClinVar variation 4619522 (VCV004619522.1).
Genomic context (GRCh38, chr17:65,537,438, plus strand): 5'-GAGTAGCAGTAATACTCGCTGCCCCCAGGGCAGAAGCAGTGCACCCGCTGCGTGGCCTCC[GC>AA]CTCGATCTCCTCCTTGGTCTTGGGGACGGCATGGTGGTGGATGTAGTGGTGGTGGACATG-3'
Protein context (NP_004646.3, residues 523-543): AVPKTKEEIE[Ala533Leu]EATQRVHCFC